The following is an entry in ClinVar:

ClinVar aggregate classification (germline): Pathogenic/Likely pathogenic. Review status: criteria provided, multiple submitters, no conflicts (2 of 4 stars). 2 submissions from 2 submitters: Pathogenic (1); Likely pathogenic (1). Last evaluated 2023-02-19.

Conditions:
Charcot-Marie-Tooth disease type 4A. Also called: Charcot-Marie-Tooth disease, demyelinating, autosomal recessive, type 4a. Identifiers: Orphanet 99948, MedGen C1859198, MONDO:0008961, OMIM 214400.
Charcot-Marie-Tooth disease recessive intermediate A (CMTRIA). Also called: CHARCOT-MARIE-TOOTH NEUROPATHY, RECESSIVE INTERMEDIATE A. Identifiers: Orphanet 217055, MedGen C1842197, MONDO:0012014, OMIM 608340.
Charcot-Marie-Tooth disease axonal type 2K (CMT2K). Also called: CHARCOT-MARIE-TOOTH DISEASE, AXONAL, AUTOSOMAL RECESSIVE, TYPE 2K; CHARCOT-MARIE-TOOTH NEUROPATHY, AXONAL, TYPE 2K; Charcot-Marie-Tooth disease type 2K. Identifiers: Orphanet 101097, Orphanet 99944, MedGen C1842983, MONDO:0011916, OMIM 607831.
Charcot-Marie-Tooth disease, axonal, with vocal cord paresis, autosomal recessive. Also called: CHARCOT-MARIE-TOOTH DISEASE, TYPE 4A, AXONAL FORM; CHARCOT-MARIE-TOOTH NEUROPATHY, AXONAL, WITH VOCAL CORD PARESIS, AUTOSOMAL RECESSIVE; CMT2 WITH VOCAL CORD PARESIS, AUTOSOMAL RECESSIVE. Identifiers: Orphanet 101097, MedGen C1843183, MONDO:0011898, OMIM 607706.

Allele frequency attached by ClinVar (database versions not stated): gnomAD exomes below 0.00001.

Submissions (2):

Kariminejad - Najmabadi Pathology & Genetics Center
Classification: Likely pathogenic for Charcot-Marie-Tooth disease axonal type 2K; Charcot-Marie-Tooth disease, axonal, with vocal cord paresis, autosomal recessive; Charcot-Marie-Tooth disease recessive intermediate A; Charcot-Marie-Tooth disease type 4A. Last evaluated: 2023-02-19. Review status: criteria provided, single submitter. Criteria: ACMG Guidelines, 2015. Collection method: clinical testing. Allele origin: germline. Inheritance: Autosomal recessive inheritance. Affected: yes.
Comment: PM2,PS1,PVS1-Strong

Labcorp Genetics (formerly Invitae), Labcorp
Classification: Pathogenic for Charcot-Marie-Tooth disease type 4A. Last evaluated: 2022-07-29. Review status: criteria provided, single submitter. Criteria: Invitae Variant Classification Sherloc (09022015). Collection method: clinical testing. Allele origin: germline.
Comment: This sequence change affects the initiator methionine of the GDAP1 mRNA. The next in-frame methionine is located at codon 69. This variant is not present in population databases (gnomAD no frequency). For these reasons, this variant has been classified as Pathogenic. Disruption of the initiator codon has been observed in individuals with autosomal recessive Charcot-Marie-Tooth disease (PMID: 29184355, 33179230). It has also been observed to segregate with disease in related individuals.

Literature cited by the submitters: PubMed 29184355 (cited by Labcorp Genetics (formerly Invitae), Labcorp); PubMed 33179230 (cited by Labcorp Genetics (formerly Invitae), Labcorp).

NM_018972.4(GDAP1):c.1del (p.Met1fs)

Genes: GDAP1 (ganglioside induced differentiation associated protein 1; plus strand), LOC130000622 (ATAC-STARR-seq lymphoblastoid active region 27542; plus strand). Cytogenetic location: 8q21.11.
Variant type: Deletion.
Coding change: c.1del on transcript NM_018972.4 (MANE Select); coding-DNA position 1, one base deleted (A; older notation c.1delA).
Protein change: p.Met1fs; shifts the reading frame from methionine 1.
Molecular consequence: frameshift variant, initiator codon variant. On other transcripts: 5 prime UTR variant (3).
Genome position (GRCh38, 1-based): chr8:74,350,462, A deleted. VCF-style (leftmost placement, unchanged base first): chr8-74350461-GA-G. GRCh37 (hg19) VCF-style: chr8-75262696-GA-G.
Other names: c.-74del (NM_001040875.4); c.-182del (NM_001362929.2); c.1del, p.Met1fs (NM_001362930.2, NM_001362931.2); c.-134del (NM_001362932.2); c.1delA (NM_018972.4); short protein forms M1fs.
Identifiers: ClinVar variation 2000577 (VCV002000577.6), dbSNP rs2536722528, ClinGen allele CA2580078937.
Genomic context (GRCh38, chr8:74,350,461, plus strand): 5'-GTGTGGGAGGGAGAAGTCCAGGGCGGACAGGCTGGGCGCACCCGTGCTCGCGCACCCCAA[GA>G]TGGCTGAGAGGCAGGAAGAGCAGAGAGGGAGCCCGCCCTTGAGGGCGGAAGGCAAGGCCG-3'